The following is an entry in ClinVar:

ClinVar aggregate classification (germline): Pathogenic/Likely pathogenic. Review status: criteria provided, multiple submitters, no conflicts (2 of 4 stars). 2 submissions from 2 submitters: Pathogenic (1); Likely pathogenic (1). Last evaluated 2022-06-18.

Conditions:
Alstrom syndrome (ALMS). Identifiers: Orphanet 64, MedGen C0268425, MONDO:0008763, OMIM 203800.

Submissions (2):

Center for Reproductive Medicine and Prenatal Diagnosis, The First Hospital of Jilin University
Classification: Pathogenic for Alstrom syndrome. Last evaluated: 2022-06-18. Review status: criteria provided, single submitter. Criteria: ACMG Guidelines, 2015. Collection method: clinical testing. Allele origin: germline. Inheritance: Autosomal recessive inheritance. Affected: yes. Observed: 1 compound heterozygote.
Comment: The c.4414_4415delGT (p.V1472Nfs*26) variant in ALMS1 has been reported in two Chinese patients with ALMS.

Juno Genomics, Hangzhou Juno Genomics, Inc
Classification: Likely pathogenic for Alstrom syndrome. Review status: criteria provided, single submitter. Criteria: ACMG Guidelines, 2015. Collection method: clinical testing. Allele origin: germline.
Comment: Null variant in a gene where loss of function (LOF) is a known mechanism of disease.;Absent from controls (or at extremely low frequency if recessive) in Genome Aggregation Database.

Literature cited by the submitters: PubMed 31755649 (cited by Center for Reproductive Medicine and Prenatal Diagnosis, The First Hospital of Jilin University).

NM_001378454.1(ALMS1):c.4411_4412del (p.Val1471fs)

Gene: ALMS1 (ALMS1 centrosome and basal body associated protein; plus strand). Cytogenetic location: 2p13.1.
Variant type: Deletion.
Coding change: c.4411_4412del on transcript NM_001378454.1 (MANE Select); coding-DNA positions 4411 to 4412, 2 bases deleted (GT; older notation c.4411_4412delGT).
Protein change: p.Val1471fs; shifts the reading frame from valine 1471.
Molecular consequence: frameshift variant.
Genome position (GRCh38, 1-based): chr2:73,450,938-73,450,939, GT deleted; deleting any 2 consecutive bases within chr2:73,450,937-73,450,939 gives the same sequence; the c. name uses the placement nearest the transcript's 3' end. VCF-style (leftmost placement, unchanged base first): chr2-73450936-CTG-C. GRCh37 (hg19) VCF-style: chr2-73678063-CTG-C.
Other names: c.4414_4415delGT (NM_015120.4); c.4414_4415del, p.Val1472fs (NM_015120.4); short protein forms V1471fs, V1472fs.
Identifiers: ClinVar variation 1700563 (VCV001700563.5), dbSNP rs2103782701, ClinGen allele CA2580067960.